The following is an entry in ClinVar:

NM_000321.3(RB1):c.964G>T (p.Glu322Ter)

Gene: RB1 (RB transcriptional corepressor 1; plus strand). Cytogenetic location: 13q14.2.
Variant type: single nucleotide variant.
Coding change: c.964G>T on transcript NM_000321.3 (MANE Select); coding-DNA position 964, G replaced by T.
Protein change: p.Glu322Ter; replaces glutamic acid 322 with a stop codon.
Molecular consequence: nonsense.
Genome position (GRCh38, 1-based): chr13:48,367,518, G>T. VCF-style: chr13-48367518-G-T. GRCh37 (hg19) VCF-style: chr13-48941654-G-T.
Other names: short protein forms E322*.
Identifiers: ClinVar variation 428719 (VCV000428719.5), dbSNP rs776534331, ClinGen allele CA388160650.

ClinVar aggregate classification (germline): Pathogenic (1 of 4 stars; one submission).

Conditions:
Hereditary cancer-predisposing syndrome. Also called: Hereditary Cancer Syndrome; Neoplastic Syndromes, Hereditary; Hereditary neoplastic syndrome; Tumor predisposition. Identifiers: Orphanet 140162, MedGen C0027672, MeSH D009386, MONDO:0015356.

Submission:

Ambry Genetics
Classification: Pathogenic for Hereditary cancer-predisposing syndrome. Last evaluated: 2019-03-11. Review status: criteria provided, single submitter. Criteria: Ambry Variant Classification Scheme 2023. Collection method: clinical testing. Allele origin: germline.
Comment: The p.E322* pathogenic mutation (also known as c.964G>T), located in coding exon 10 of the RB1 gene, results from a G to T substitution at nucleotide position 964. This changes the amino acid from a glutamic acid to a stop codon within coding exon 10. This mutation was detected in two relatives diagnosed with retinoblastoma (Taylor M et al. Hum. Mutat. 2007 Mar;28(3):284-93). In addition to the clinical data presented in the literature, this alteration is expected to result in loss of function by premature protein truncation or nonsense-mediated mRNA decay. As such, this alteration is interpreted as a disease-causing mutation.